The following is an entry in ClinVar:

NM_002528.7(NTHL1):c.-8A>C

Gene: NTHL1 (nth like DNA glycosylase 1; minus strand). Cytogenetic location: 16p13.3.
Variant type: single nucleotide variant.
Coding change: c.-8A>C on transcript NM_002528.7 (MANE Select); 8 bases upstream of the start codon, A replaced by C.
Molecular consequence: 5 prime UTR variant.
Genome position (GRCh38, 1-based): chr16:2,047,831, T>G on the plus strand (A>C on the coding strand, the complement: NTHL1 is on the minus strand). VCF-style: chr16-2047831-T-G. GRCh37 (hg19) VCF-style: chr16-2097832-T-G.
Other names: c.-8A>C (NM_001318193.2); c.-186A>C (NM_001318194.2).
Identifiers: ClinVar variation 1313057 (VCV001313057.8), dbSNP rs566165031, ClinGen allele CA394298815.

ClinVar aggregate classification (germline): Uncertain significance. Review status: criteria provided, multiple submitters, no conflicts (2 of 4 stars). 3 submissions from 3 submitters: Uncertain significance (3). Last evaluated 2025-06-08.

Conditions:
Hereditary cancer-predisposing syndrome. Also called: Hereditary neoplastic syndrome; Neoplastic Syndromes, Hereditary; Tumor predisposition; Hereditary Cancer Syndrome. Identifiers: Orphanet 140162, MedGen C0027672, MeSH D009386, MONDO:0015356.

gnomAD v4.1: 1 of 1,594,566 alleles (0.000063%); highest among the groups gnomAD compares: South Asian, 0.0011%; no homozygotes.

Submissions (3):

Ambry Genetics
Classification: Uncertain significance for Hereditary cancer-predisposing syndrome. Last evaluated: 2025-06-08. Review status: criteria provided, single submitter. Criteria: Ambry Variant Classification Scheme 2023. Collection method: clinical testing. Allele origin: germline.
Comment: The p.E6A variant (also known as c.17A>C), located in coding exon 1 of the NTHL1 gene, results from an A to C substitution at nucleotide position 17. The glutamic acid at codon 6 is replaced by alanine, an amino acid with dissimilar properties. This amino acid position is well conserved in available vertebrate species. In addition, this alteration is predicted to be tolerated by in silico analysis. Since supporting evidence is limited at this time, the clinical significance of this alteration remains unclear.

Labcorp Genetics (formerly Invitae), Labcorp
Classification: Uncertain significance. Last evaluated: 2024-05-21. Review status: criteria provided, single submitter. Criteria: Invitae Variant Classification Sherloc (09022015). Collection method: clinical testing. Allele origin: germline.
Comment: This sequence change replaces glutamic acid, which is acidic and polar, with alanine, which is neutral and non-polar, at codon 6 of the NTHL1 protein (p.Glu6Ala). This variant is not present in population databases (gnomAD no frequency). This variant has not been reported in the literature in individuals affected with NTHL1-related conditions. ClinVar contains an entry for this variant (Variation ID: 1313057). Algorithms developed to predict the effect of missense changes on protein structure and function output the following: SIFT: "Not Available"; PolyPhen-2: "Benign"; Align-GVGD: "Not Available". The alanine amino acid residue is found in multiple mammalian species, which suggests that this missense change does not adversely affect protein function. In summary, the available evidence is currently insufficient to determine the role of this variant in disease. Therefore, it has been classified as a Variant of Uncertain Significance.

GeneDx
Classification: Uncertain significance. Last evaluated: 2020-07-06. Review status: criteria provided, single submitter. Criteria: GeneDx Variant Classification Process June 2021. Collection method: clinical testing. Allele origin: germline. Affected: yes.
Comment: Not observed in large population cohorts (Lek et al., 2016); In silico analysis supports that this missense variant does not alter protein structure/function; Has not been previously published as pathogenic or benign to our knowledge